The following is an entry in ClinVar:

NM_001370259.2(MEN1):c.1471G>T (p.Glu491Ter)

Gene: MEN1 (menin 1; minus strand). Cytogenetic location: 11q13.1.
Variant type: single nucleotide variant.
Coding change: c.1471G>T on transcript NM_001370259.2 (MANE Select); coding-DNA position 1471, G replaced by T.
Protein change: p.Glu491Ter; replaces glutamic acid 491 with a stop codon.
Molecular consequence: nonsense.
Genome position (GRCh38, 1-based): chr11:64,804,696, C>A on the plus strand (G>T on the coding strand, the complement: MEN1 is on the minus strand). VCF-style: chr11-64804696-C-A. GRCh37 (hg19) VCF-style: chr11-64572168-C-A.
Other names: c.1486G>T, p.Glu496Ter (NM_000244.4, NM_001407145.1, NM_130800.3 and 4 more transcripts); c.1597G>T, p.Glu533Ter (NM_001370251.2, NM_001407142.1, NM_001407143.1 and 1 more transcripts); c.1471G>T, p.Glu491Ter (NM_001370260.2, NM_001370261.2, NM_001407146.1 and 2 more transcripts); c.1366G>T, p.Glu456Ter (NM_001370262.2, NM_001370263.2, NM_001407148.1 and 1 more transcripts); c.1612G>T, p.Glu538Ter (NM_001407150.1); c.1492G>T, p.Glu498Ter (NM_001407151.1); c.1306G>T, p.Glu436Ter (NM_001407152.1); short protein forms E456*, E498*, E491*, E436*, E496*, E533*, E538*.
Identifiers: ClinVar variation 1998541 (VCV001998541.4), dbSNP rs753942853, ClinGen allele CA381179101.

ClinVar aggregate classification (germline): Likely pathogenic (1 of 4 stars; one submission).

Conditions:
Multiple endocrine neoplasia, type 1 (MEN1). Also called: WERMER SYNDROME; Endocrine adenomatosis multiple; MEN 1; MEN I; MEA I. Identifiers: Orphanet 652, MedGen C0025267, MeSH D018761, MONDO:0007540, OMIM 131100.

Submission:

Labcorp Genetics (formerly Invitae), Labcorp
Classification: Likely pathogenic for Multiple endocrine neoplasia, type 1. Last evaluated: 2022-05-25. Review status: criteria provided, single submitter. Criteria: Invitae Variant Classification Sherloc (09022015). Collection method: clinical testing. Allele origin: germline.
Comment: This variant disrupts the NLS2 domain of the MEN1 protein, which is important for DNA binding and repression of cell proliferation (PMID: 15331604, 16449969). While functional studies have not been performed to directly test the effect of this variant on MEN1 protein function, this suggests that disruption of this region of the protein is causative of disease. In summary, the currently available evidence indicates that the variant is pathogenic, but additional data are needed to prove that conclusively. Therefore, this variant has been classified as Likely Pathogenic. This premature translational stop signal has been observed in individual(s) with MEN1-related conditions (Invitae). This variant is not present in population databases (gnomAD no frequency). This sequence change creates a premature translational stop signal (p.Glu491*) in the MEN1 gene. While this is not anticipated to result in nonsense mediated decay, it is expected to disrupt the last 120 amino acid(s) of the MEN1 protein.

Literature cited by the submitters: PubMed 15331604; PubMed 16449969.